The following is an entry in ClinVar:

ClinVar aggregate classification (germline): Uncertain significance. Review status: criteria provided, multiple submitters, no conflicts (2 of 4 stars). 2 submissions from 2 submitters: Uncertain significance (2). Last evaluated 2025-11-30.

Conditions:
Baller-Gerold syndrome (BGS). Also called: CRANIOSYNOSTOSIS WITH RADIAL DEFECTS. Identifiers: Orphanet 1225, MedGen C0265308, MONDO:0009039, OMIM 218600.
Inborn genetic diseases. Identifiers: MedGen C0950123, MeSH D030342.

gnomAD v4.1: 1 of 1,608,432 alleles (0.000062%); highest among the groups gnomAD compares: South Asian, 0.0011%; no homozygotes.

Submissions (2):

Ambry Genetics
Classification: Uncertain significance for Inborn genetic diseases. Last evaluated: 2025-11-30. Review status: criteria provided, single submitter. Criteria: Ambry Variant Classification Scheme 2023. Collection method: clinical testing. Allele origin: germline.
Comment: The p.P581L variant (also known as c.1742C>T), located in coding exon 11 of the RECQL4 gene, results from a C to T substitution at nucleotide position 1742. The proline at codon 581 is replaced by leucine, an amino acid with similar properties. This amino acid position is conserved. In addition, this alteration is predicted to be deleterious by in silico analysis. Based on the available evidence, the clinical significance of this variant remains unclear.

Labcorp Genetics (formerly Invitae), Labcorp
Classification: Uncertain significance for Baller-Gerold syndrome. Last evaluated: 2022-01-17. Review status: criteria provided, single submitter. Criteria: Invitae Variant Classification Sherloc (09022015). Collection method: clinical testing. Allele origin: germline.
Comment: In summary, the available evidence is currently insufficient to determine the role of this variant in disease. Therefore, it has been classified as a Variant of Uncertain Significance. Experimental studies and prediction algorithms are not available or were not evaluated, and the functional significance of this variant is currently unknown. This variant has not been reported in the literature in individuals affected with RECQL4-related conditions. This variant is not present in population databases (gnomAD no frequency). This sequence change replaces proline, which is neutral and non-polar, with leucine, which is neutral and non-polar, at codon 581 of the RECQL4 protein (p.Pro581Leu).

NM_004260.4(RECQL4):c.1742C>T (p.Pro581Leu)

Gene: RECQL4 (RecQ like helicase 4; minus strand). Cytogenetic location: 8q24.3.
Variant type: single nucleotide variant.
Coding change: c.1742C>T on transcript NM_004260.4 (MANE Select); coding-DNA position 1742, C replaced by T.
Protein change: p.Pro581Leu; replaces proline 581 with leucine.
Molecular consequence: missense variant.
Genome position (GRCh38, 1-based): chr8:144,514,325, G>A on the plus strand (C>T on the coding strand, the complement: RECQL4 is on the minus strand). VCF-style: chr8-144514325-G-A. GRCh37 (hg19) VCF-style: chr8-145739709-G-A.
Other names: c.1742C>T (NM_004260.3); c.1646C>T, p.Pro549Leu (NM_001413017.1, NM_001413020.1); c.1742C>T, p.Pro581Leu (NM_001413018.1, NM_001413019.1, NM_001413036.1); c.671C>T, p.Pro224Leu (NM_001413021.1, NM_001413022.1, NM_001413023.1 and 6 more transcripts); c.1613C>T, p.Pro538Leu (NM_001413025.1); c.605C>T, p.Pro202Leu (NM_001413027.1, NM_001413030.1, NM_001413032.1 and 1 more transcripts); c.1391C>T, p.Pro464Leu (NM_001413029.1); c.1712C>T, p.Pro571Leu (NM_001413039.1); and 2 more; short protein forms P92L, P224L, P464L, P549L, P571L, P581L, P202L, P214L.
Identifiers: ClinVar variation 2086656 (VCV002086656.5), dbSNP rs1198368445, ClinGen allele CA372681124.